The following is an entry in ClinVar:

NM_025114.4(CEP290):c.2953A>G (p.Met985Val)

Gene: CEP290 (centrosomal protein 290; minus strand). Cytogenetic location: 12q21.32.
Variant type: single nucleotide variant.
Coding change: c.2953A>G on transcript NM_025114.4 (MANE Select); coding-DNA position 2953, A replaced by G.
Protein change: p.Met985Val; replaces methionine 985 with valine.
Molecular consequence: missense variant.
Genome position (GRCh38, 1-based): chr12:88,102,876, T>C on the plus strand (A>G on the coding strand, the complement: CEP290 is on the minus strand). VCF-style: chr12-88102876-T-C. GRCh37 (hg19) VCF-style: chr12-88496653-T-C.
Other names: short protein forms M985V.
Identifiers: ClinVar variation 1038859 (VCV001038859.10), dbSNP rs1160930595, ClinGen allele CA385969205.
Genomic context (GRCh38, chr12:88,102,876, plus strand): 5'-TTCAAGAATCACACAAACTTACCTCCAGGTGTTCCAAGTTACTTGTTCTTTGAACAAGCA[T>C]ATTATCTTTTTGCAAGATGTCCCTGTACTTAGCAGTCAGTTCATTGTACTGTTTATTAGC-3'
Protein context (NP_079390.3, residues 975-995): KYRDILQKDN[Met985Val]LVQRTSNLEH

ClinVar aggregate classification (germline): Uncertain significance. Review status: criteria provided, multiple submitters, no conflicts (2 of 4 stars). 3 submissions from 3 submitters: Uncertain significance (3). Last evaluated 2026-03-29.

Conditions:
Joubert syndrome. Also called: Familial aplasia of the vermis; JOUBERT-BOLTSHAUSER SYNDROME. Identifiers: Orphanet 475, MedGen C5979921, MONDO:0018772.
Nephronophthisis. Also called: Juvenile Nephronophthisis. Identifiers: Orphanet 655, MedGen C0687120, MONDO:0019005, HP:0000090.
Meckel-Gruber syndrome. Also called: DYSENCEPHALIA SPLANCHNOCYSTICA; GRUBER SYNDROME; Dysencephalia splachnocystica. Identifiers: Orphanet 564, MedGen C0265215, MONDO:0018921.
CEP290-related disorder. Also called: CEP290-related disorders; CEP290-related condition. Identifiers: MedGen CN239314.

Allele frequency attached by ClinVar (database versions not stated): gnomAD exomes below 0.00001.
gnomAD v4.1: 2 of 1,611,008 alleles (0.00012%); highest among the groups gnomAD compares: Non-Finnish European, 0.00017%; no homozygotes.

Submissions (3):

PreventionGenetics, part of Exact Sciences
Classification: Uncertain significance for CEP290-related condition. Last evaluated: 2026-03-29. Review status: criteria provided, single submitter. Criteria: ACMG Guidelines, 2015. Collection method: clinical testing. Allele origin: germline.
Comment: The CEP290 c.2953A>G variant is predicted to result in the amino acid substitution p.Met985Val. To our knowledge, this variant has not been reported in the literature. This variant is also absent from one large public population database (gnomAD), indicating that this variant is rare in the general population. At this time, the clinical significance of this variant is uncertain due to the absence of conclusive functional and genetic evidence.

Labcorp Genetics (formerly Invitae), Labcorp
Classification: Uncertain significance for Joubert syndrome; Meckel-Gruber syndrome; Nephronophthisis. Last evaluated: 2022-03-03. Review status: criteria provided, single submitter. Criteria: Invitae Variant Classification Sherloc (09022015). Collection method: clinical testing. Allele origin: germline.
Comment: In summary, the available evidence is currently insufficient to determine the role of this variant in disease. Therefore, it has been classified as a Variant of Uncertain Significance. Algorithms developed to predict the effect of missense changes on protein structure and function output the following: SIFT: "Tolerated"; PolyPhen-2: "Benign"; Align-GVGD: "Class C0". The valine amino acid residue is found in multiple mammalian species, which suggests that this missense change does not adversely affect protein function. ClinVar contains an entry for this variant (Variation ID: 1038859). This variant has not been reported in the literature in individuals affected with CEP290-related conditions. This variant is not present in population databases (gnomAD no frequency). This sequence change replaces methionine, which is neutral and non-polar, with valine, which is neutral and non-polar, at codon 985 of the CEP290 protein (p.Met985Val).

GeneDx
Classification: Uncertain significance. Last evaluated: 2019-09-11. Review status: criteria provided, single submitter. Criteria: GeneDx Variant Classification Process June 2021. Collection method: clinical testing. Allele origin: germline. Affected: yes.
Comment: In silico analysis, which includes protein predictors and evolutionary conservation, supports that this variant does not alter protein structure/function; Has not been previously published as pathogenic or benign to our knowledge; No data available from control populations to assess the frequency of this variant